The following is an entry in ClinVar:

NM_005619.5(RTN2):c.1129G>A (p.Val377Met)

Genes: OPA3-RTN2 (OPA3-RTN2 readthrough; minus strand), RTN2 (reticulon 2; minus strand). Cytogenetic location: 19q13.32.
Variant type: single nucleotide variant.
Coding change: c.1129G>A on transcript NM_005619.5 (MANE Select); coding-DNA position 1129, G replaced by A.
Protein change: p.Val377Met; replaces valine 377 with methionine.
Molecular consequence: missense variant.
Genome position (GRCh38, 1-based): chr19:45,489,458, C>T on the plus strand (G>A on the coding strand, the complement: RTN2 is on the minus strand). VCF-style: chr19-45489458-C-T. GRCh37 (hg19) VCF-style: chr19-45992716-C-T.
Other names: c.910G>A, p.Val304Met (NM_206900.3); c.109G>A, p.Val37Met (NM_206901.3); short protein forms V377M, V304M, V37M.
Identifiers: ClinVar variation 654597 (VCV000654597.8), dbSNP rs146778767, ClinGen allele CA9516077.
Genomic context (GRCh38, chr19:45,489,458, plus strand): 5'-AAACCCTGAGAGAGATGGTGCCGCAGAGCAGCAACAGAGCCAAGTGCGCGGCCACGGACA[C>T]GATGCTAAAGTGCAGGAGGCAGAGGAGGGAGACCATCAGGCCTGTGAAGACCACTCCTGA-3'
Protein context (NP_005610.1, residues 367-387): SLLCLLHFSI[Val377Met]SVAAHLALLL

ClinVar aggregate classification (germline): Uncertain significance (1 of 4 stars; one submission).

Conditions:
Spastic paraplegia. Identifiers: MedGen C0037772, HP:0001258.

Allele frequency attached by ClinVar (database versions not stated): gnomAD exomes 0.00002; ExAC 0.00004; ESP Exome Variant Server 0.00008.
gnomAD v4.1: 30 of 1,612,636 alleles (0.0019%); highest among the groups gnomAD compares: Admixed American, 0.005%; no homozygotes.

Submission:

Labcorp Genetics (formerly Invitae), Labcorp
Classification: Uncertain significance for Spastic paraplegia. Last evaluated: 2018-11-06. Review status: criteria provided, single submitter. Criteria: Invitae Variant Classification Sherloc (09022015). Collection method: clinical testing. Allele origin: germline.
Comment: In summary, the available evidence is currently insufficient to determine the role of this variant in disease. Therefore, it has been classified as a Variant of Uncertain Significance. This sequence change replaces valine with methionine at codon 377 of the RTN2 protein (p.Val377Met). The valine residue is weakly conserved and there is a small physicochemical difference between valine and methionine. This variant is present in population databases (rs146778767, ExAC 0.01%). This variant has not been reported in the literature in individuals with RTN2-related disease. Algorithms developed to predict the effect of missense changes on protein structure and function are either unavailable or do not agree on the potential impact of this missense change (SIFT: "Deleterious"; PolyPhen-2: "Probably Damaging"; Align-GVGD: "Class C0").